The following is an entry in ClinVar:

ClinVar aggregate classification (germline): VUS-low (1 of 4 stars; one submission).

Conditions:
Autosomal recessive nonsyndromic hearing loss 1A (DFNB1A). Also called: Connexin 26 deafness; Deafness nonsyndromic, Connexin 26 linked; GJB6-Related DFNB 1 Nonsyndromic Hearing Loss and Deafness; Deafness, autosomal recessive 1A; Nonsyndromic Hearing Loss and Deafness, DFNB1; GJB2-Related Autosomal Recessive Nonsyndromic Hearing Loss. Identifiers: Orphanet 90636, MedGen C2673759, MONDO:0009076, OMIM 220290.

Submission:

Department of Otorhinolaryngology, Head and Neck Surgery, Xinhua Hospital, Shanghai Jiao Tong University School of Medicine
Classification: VUS-low for Autosomal recessive nonsyndromic hearing loss 1A. Last evaluated: 2026-06-07. Review status: criteria provided, single submitter. Criteria: ACMG Guidelines, 2015. Collection method: clinical testing. Allele origin: germline. Affected: yes.
Comment: PM2

NM_004004.6(GJB2):c.398G>C (p.Trp133Ser)

Gene: GJB2 (gap junction protein beta 2; minus strand). Cytogenetic location: 13q12.11.
Variant type: single nucleotide variant.
Coding change: c.398G>C on transcript NM_004004.6 (MANE Select); coding-DNA position 398, G replaced by C.
Protein change: p.Trp133Ser; replaces tryptophan 133 with serine.
Molecular consequence: missense variant.
Genome position (GRCh38, 1-based): chr13:20,189,184, C>G on the plus strand (G>C on the coding strand, the complement: GJB2 is on the minus strand). VCF-style: chr13-20189184-C-G. GRCh37 (hg19) VCF-style: chr13-20763323-C-G.
Other names: short protein forms W133S.
Identifiers: ClinVar variation 4856987 (VCV004856987.1).
Genomic context (GRCh38, chr13:20,189,184, plus strand): 5'-ACGTACATGAAGGCGGCTTCGAAGATGACCCGGAAGAAGATGCTGCTTGTGTAGGTCCAC[C>G]ACAGGGAGCCTTCGATGCGGACCTTCTGGGTTTTGATCTCCTCGATGTCCTTAAATTCAC-3'
Protein context (NP_003995.2, residues 123-143): TQKVRIEGSL[Trp133Ser]WTYTSSIFFR